The following is an entry in ClinVar:

ClinVar aggregate classification (germline): Uncertain significance (1 of 4 stars; one submission).

Conditions:
PRKAG2-related disorder. Also called: PRKAG2-related condition; PRKAG2-related disorders.

gnomAD v4.1: 52 of 1,536,182 alleles (0.0034%); highest among the groups gnomAD compares: East Asian, 0.022%; no homozygotes.

Submission:

PreventionGenetics, part of Exact Sciences
Classification: Uncertain significance for PRKAG2-related condition. Last evaluated: 2026-08-25. Review status: criteria provided, single submitter. Criteria: ACMG Guidelines, 2015. Collection method: clinical testing. Allele origin: germline.
Comment: The PRKAG2 c.67C>T variant is predicted to result in the amino acid substitution p.Arg23Cys. To our knowledge, this variant has not been reported in the literature. This variant is reported in 0.0044% of alleles in individuals of South Asian descent in gnomAD. At this time, the clinical significance of this variant is uncertain due to the absence of conclusive functional and genetic evidence.

NM_016203.4(PRKAG2):c.466+45225C>T

Gene: PRKAG2 (protein kinase AMP-activated non-catalytic subunit gamma 2; minus strand). Cytogenetic location: 7q36.1.
Variant type: single nucleotide variant.
Coding change: c.466+45225C>T on transcript NM_016203.4 (MANE Select); 45225 bases into the intron after coding-DNA position 466, C replaced by T.
Molecular consequence: intron variant. On other transcripts: missense variant (5), 5 prime UTR variant (1).
Genome position (GRCh38, 1-based): chr7:151,735,927, G>A on the plus strand (C>T on the coding strand, the complement: PRKAG2 is on the minus strand). VCF-style: chr7-151735927-G-A. GRCh37 (hg19) VCF-style: chr7-151433013-G-A.
Other names: c.67C>T, p.Arg23Cys (NM_001304527.2, NM_001363698.2, NM_001407028.1 and 2 more transcripts); c.-16C>T (NM_001407038.1); c.466+45225C>T (NM_001407031.1, NM_001407030.1, NM_001407023.1 and 2 more transcripts); c.149-60290C>T (NM_001407032.1); c.334+45225C>T (NM_001407026.1, NM_001040633.2, NM_001407027.1 and 1 more transcripts); c.360+45199C>T (NM_001407033.1); short protein forms R23C.
Identifiers: ClinVar variation 4985590 (VCV004985590.1).
Genomic context (GRCh38, chr7:151,735,927, plus strand): 5'-CCACCAGGGGCTCGGGAATGGGCAGAGTCCTACCGAAAAGGCCATGAGGCTCCGACTGGC[G>A]CCTCTCCGTGCTTCGATTTTGGTCCTTGTGTTTCTTGTTGCTCCTGAGGCTCCCAAAGCG-3'